The following is an entry in ClinVar:

NM_014991.6(WDFY3):c.913C>T (p.Arg305Trp)

Gene: WDFY3 (WD repeat and FYVE domain containing 3; minus strand). Cytogenetic location: 4q21.23.
Variant type: single nucleotide variant.
Coding change: c.913C>T on transcript NM_014991.6 (MANE Select); coding-DNA position 913, C replaced by T.
Protein change: p.Arg305Trp; replaces arginine 305 with tryptophan.
Molecular consequence: missense variant.
Genome position (GRCh38, 1-based): chr4:84,829,047, G>A on the plus strand (C>T on the coding strand, the complement: WDFY3 is on the minus strand). VCF-style: chr4-84829047-G-A. GRCh37 (hg19) VCF-style: chr4-85750200-G-A.
Other names: short protein forms R305W.
Identifiers: ClinVar variation 2628742 (VCV002628742.4), dbSNP rs777259178, ClinGen allele CA2994068.

ClinVar aggregate classification (germline): Uncertain significance. Review status: criteria provided, multiple submitters, no conflicts (2 of 4 stars). 2 submissions from 2 submitters: Uncertain significance (2). Last evaluated 2023-04-26.

Conditions:
WDFY3-related disorder.

Allele frequency attached by ClinVar (database versions not stated): ExAC 0.00001; gnomAD 0.00001; gnomAD exomes 0.00001; TOPMed 0.00001.
gnomAD v4.1: 12 of 1,612,946 alleles (0.00074%); highest among the groups gnomAD compares: Middle Eastern, 0.016%; no homozygotes.

Submissions (2):

Labcorp Genetics (formerly Invitae), Labcorp
Classification: Uncertain significance. Last evaluated: 2023-04-26. Review status: criteria provided, single submitter. Criteria: Invitae Variant Classification Sherloc (09022015). Collection method: clinical testing. Allele origin: germline.
Comment: In summary, the available evidence is currently insufficient to determine the role of this variant in disease. Therefore, it has been classified as a Variant of Uncertain Significance. Advanced modeling of protein sequence and biophysical properties (such as structural, functional, and spatial information, amino acid conservation, physicochemical variation, residue mobility, and thermodynamic stability) performed at Invitae indicates that this missense variant is expected to disrupt WDFY3 protein function. This variant has not been reported in the literature in individuals affected with WDFY3-related conditions. This variant is present in population databases (rs777259178, gnomAD 0.003%). This sequence change replaces arginine, which is basic and polar, with tryptophan, which is neutral and slightly polar, at codon 305 of the WDFY3 protein (p.Arg305Trp).

PreventionGenetics, part of Exact Sciences
Classification: Uncertain significance for WDFY3-related condition. Last evaluated: 2022-11-29. Review status: criteria provided, single submitter. Criteria: ACMG Guidelines, 2015. Collection method: clinical testing. Allele origin: germline.
Comment: The WDFY3 c.913C>T variant is predicted to result in the amino acid substitution p.Arg305Trp. To our knowledge, this variant has not been reported in the literature. This variant is reported in 0.0033% of alleles in individuals of South Asian descent in gnomAD. At this time, the clinical significance of this variant is uncertain due to the absence of conclusive functional and genetic evidence.